The following is an entry in ClinVar:

ClinVar aggregate classification (germline): Conflicting classifications of pathogenicity. Review status: criteria provided, conflicting classifications (1 of 4 stars). 2 submissions from 2 submitters: Uncertain significance (1); Likely benign (1). Last evaluated 2025-10-23.

Conditions:
Autosomal dominant nocturnal frontal lobe epilepsy 5. Also called: KCNT1-Related Epilepsy; CILIARY DYSKINESIA, PRIMARY, 28, WITHOUT SITUS INVERSUS; CILIARY DYSKINESIA, PRIMARY, 28, WITH SITUS INVERSUS; Epilepsy, nocturnal frontal lobe, 5. Identifiers: Orphanet 98784, MedGen C3554306, MONDO:0014002, OMIM 615005.
Developmental and epileptic encephalopathy, 14 (DEE14). Also called: Early infantile epileptic encephalopathy 14. Identifiers: Orphanet 293181, MedGen C3554195, MONDO:0013989, OMIM 614959.
Inborn genetic diseases. Identifiers: MedGen C0950123, MeSH D030342.

Allele frequency attached by ClinVar (database versions not stated): ExAC 0.00001; gnomAD exomes 0.00002; gnomAD 0.00005; TOPMed 0.00006; ESP Exome Variant Server 0.00008.
gnomAD v4.1: 25 of 1,604,050 alleles (0.0016%); highest among the groups gnomAD compares: African/African-American, 0.004%; no homozygotes.

Submissions (2):

Ambry Genetics
Classification: Likely benign for Inborn genetic diseases. Last evaluated: 2025-10-23. Review status: criteria provided, single submitter. Criteria: Ambry Variant Classification Scheme 2023. Collection method: clinical testing. Allele origin: germline.

Labcorp Genetics (formerly Invitae), Labcorp
Classification: Uncertain significance for Autosomal dominant nocturnal frontal lobe epilepsy 5; Developmental and epileptic encephalopathy, 14. Last evaluated: 2024-10-06. Review status: criteria provided, single submitter. Criteria: Invitae Variant Classification Sherloc (09022015). Collection method: clinical testing. Allele origin: germline.
Comment: This sequence change replaces arginine, which is basic and polar, with tryptophan, which is neutral and slightly polar, at codon 1214 of the KCNT1 protein (p.Arg1214Trp). This variant is present in population databases (rs150447764, gnomAD 0.01%). This variant has not been reported in the literature in individuals affected with KCNT1-related conditions. ClinVar contains an entry for this variant (Variation ID: 940426). Invitae Evidence Modeling of protein sequence and biophysical properties (such as structural, functional, and spatial information, amino acid conservation, physicochemical variation, residue mobility, and thermodynamic stability) indicates that this missense variant is not expected to disrupt KCNT1 protein function with a negative predictive value of 80%. In summary, the available evidence is currently insufficient to determine the role of this variant in disease. Therefore, it has been classified as a Variant of Uncertain Significance.

NM_020822.3(KCNT1):c.3640C>T (p.Arg1214Trp)

Gene: KCNT1 (potassium sodium-activated channel subfamily T member 1; plus strand). Cytogenetic location: 9q34.3.
Variant type: single nucleotide variant.
Coding change: c.3640C>T on transcript NM_020822.3 (MANE Select); coding-DNA position 3640, C replaced by T.
Protein change: p.Arg1214Trp; replaces arginine 1214 with tryptophan.
Molecular consequence: missense variant.
Genome position (GRCh38, 1-based): chr9:135,792,093, C>T. VCF-style: chr9-135792093-C-T. GRCh37 (hg19) VCF-style: chr9-138683939-C-T.
Other names: c.3568C>T, p.Arg1190Trp (NM_001272003.2); short protein forms R1190W, R1214W.
Identifiers: ClinVar variation 940426 (VCV000940426.9), dbSNP rs150447764, ClinGen allele CA5328008.